The following is an entry in ClinVar:

NM_000718.4(CACNA1B):c.1382C>T (p.Ser461Leu)

Gene: CACNA1B (calcium voltage-gated channel subunit alpha1 B; plus strand). Cytogenetic location: 9q34.3.
Variant type: single nucleotide variant.
Coding change: c.1382C>T on transcript NM_000718.4 (MANE Select); coding-DNA position 1382, C replaced by T.
Protein change: p.Ser461Leu; replaces serine 461 with leucine.
Molecular consequence: missense variant.
Genome position (GRCh38, 1-based): chr9:137,971,431, C>T. VCF-style: chr9-137971431-C-T. GRCh37 (hg19) VCF-style: chr9-140865883-C-T.
Other names: c.1382C>T, p.Ser461Leu (NM_001243812.2); c.1382C>T (NM_000718.3); short protein forms S461L.
Identifiers: ClinVar variation 2175128 (VCV002175128.2), dbSNP rs1352217827, ClinGen allele CA375805881.
Genomic context (GRCh38, chr9:137,971,431, plus strand): 5'-CCATCCCCTCAGGATCCCCCTTCGCCCGCGCCAGCCTCAAGAGCGGGAAGACAGAGAGCT[C>T]GTCATACTTCCGGAGGAAGGAGAAGATGTTCCGGTTTTTTATCCGGCGCATGGTGAAGGC-3'
Protein context (NP_000709.1, residues 451-471): ASLKSGKTES[Ser461Leu]SYFRRKEKMF

ClinVar aggregate classification (germline): Uncertain significance. Review status: criteria provided, multiple submitters, no conflicts (2 of 4 stars). 2 submissions from 2 submitters: Uncertain significance (2). Last evaluated 2025-05-01.

Allele frequency attached by ClinVar (database versions not stated): gnomAD exomes below 0.00001; TOPMed 0.00002; gnomAD 0.00002.
gnomAD v4.1: 9 of 1,613,412 alleles (0.00056%); highest among the groups gnomAD compares: Admixed American, 0.005%; no homozygotes.

Submissions (2):

Ambry Genetics
Classification: Uncertain significance. Last evaluated: 2025-05-01. Review status: criteria provided, single submitter. Criteria: Ambry Variant Classification Scheme 2023. Collection method: clinical testing. Allele origin: germline.

Labcorp Genetics (formerly Invitae), Labcorp
Classification: Uncertain significance. Last evaluated: 2022-07-21. Review status: criteria provided, single submitter. Criteria: Invitae Variant Classification Sherloc (09022015). Collection method: clinical testing. Allele origin: germline.
Comment: This sequence change replaces serine, which is neutral and polar, with leucine, which is neutral and non-polar, at codon 461 of the CACNA1B protein (p.Ser461Leu). This variant is not present in population databases (gnomAD no frequency). This variant has not been reported in the literature in individuals affected with CACNA1B-related conditions. Advanced modeling of protein sequence and biophysical properties (such as structural, functional, and spatial information, amino acid conservation, physicochemical variation, residue mobility, and thermodynamic stability) performed at Invitae indicates that this missense variant is not expected to disrupt CACNA1B protein function. In summary, the available evidence is currently insufficient to determine the role of this variant in disease. Therefore, it has been classified as a Variant of Uncertain Significance.